The following is an entry in ClinVar:

NM_000257.4(MYH7):c.3740A>T (p.Lys1247Met)

Gene: MYH7 (myosin heavy chain 7; minus strand). Cytogenetic location: 14q11.2.
Variant type: single nucleotide variant.
Coding change: c.3740A>T on transcript NM_000257.4 (MANE Select); coding-DNA position 3740, A replaced by T.
Protein change: p.Lys1247Met; replaces lysine 1247 with methionine.
Molecular consequence: missense variant.
Genome position (GRCh38, 1-based): chr14:23,419,596, T>A on the plus strand (A>T on the coding strand, the complement: MYH7 is on the minus strand). VCF-style: chr14-23419596-T-A. GRCh37 (hg19) VCF-style: chr14-23888805-T-A.
Other names: c.3740A>T, p.Lys1247Met (NM_001407004.1); short protein forms K1247M.
Identifiers: ClinVar variation 2448066 (VCV002448066.3), dbSNP rs2502262206, ClinGen allele CA389042800.

ClinVar aggregate classification (germline): Uncertain significance. Review status: criteria provided, multiple submitters, no conflicts (2 of 4 stars). 2 submissions from 2 submitters: Uncertain significance (2). Last evaluated 2026-01-09.

Conditions:
Cardiovascular phenotype. Identifiers: MedGen CN230736.
Hypertrophic cardiomyopathy. Also called: HYPERTROPHIC MYOCARDIOPATHY. Identifiers: Orphanet 217569, MedGen C0007194, MeSH D002312, MONDO:0005045, HP:0001639.

Submissions (2):

Labcorp Genetics (formerly Invitae), Labcorp
Classification: Uncertain significance for Hypertrophic cardiomyopathy. Last evaluated: 2026-01-09. Review status: criteria provided, single submitter. Criteria: Invitae Variant Classification Sherloc (09022015). Collection method: clinical testing. Allele origin: germline.
Comment: This sequence change replaces lysine, which is basic and polar, with methionine, which is neutral and non-polar, at codon 1247 of the MYH7 protein (p.Lys1247Met). This variant is not present in population databases (gnomAD no frequency). This variant has not been reported in the literature in individuals affected with MYH7-related conditions. ClinVar contains an entry for this variant (Variation ID: 2448066). Invitae Evidence Modeling of protein sequence and biophysical properties (such as structural, functional, and spatial information, amino acid conservation, physicochemical variation, residue mobility, and thermodynamic stability) indicates that this missense variant is expected to disrupt MYH7 protein function with a positive predictive value of 95%. In summary, the available evidence is currently insufficient to determine the role of this variant in disease. Therefore, it has been classified as a Variant of Uncertain Significance.

Ambry Genetics
Classification: Uncertain significance for Cardiovascular phenotype. Last evaluated: 2023-03-09. Review status: criteria provided, single submitter. Criteria: Ambry Variant Classification Scheme 2023. Collection method: clinical testing. Allele origin: germline.
Comment: The p.K1247M variant (also known as c.3740A>T), located in coding exon 26 of the MYH7 gene, results from an A to T substitution at nucleotide position 3740. The lysine at codon 1247 is replaced by methionine, an amino acid with similar properties. This amino acid position is highly conserved in available vertebrate species. In addition, the in silico prediction for this alteration is inconclusive. Since supporting evidence is limited at this time, the clinical significance of this alteration remains unclear.